The following is an entry in ClinVar:

ClinVar aggregate classification (germline): Uncertain significance (1 of 4 stars; one submission).

Conditions:
Hereditary breast ovarian cancer syndrome. Also called: Hereditary breast and ovarian cancer syndrome; Hereditary breast and ovarian cancer syndrome (HBOC); BRCA1- and BRCA2-Associated Hereditary Breast and Ovarian Cancer; Hereditary breast and ovarian cancer; Breast and ovarian cancer; Hereditary breast and/or ovarian cancer syndrome. Identifiers: Orphanet 145, MedGen C0677776, MeSH D061325, MONDO:0003582. Disease mechanism: loss of function.

Submission:

Labcorp Genetics (formerly Invitae), Labcorp
Classification: Uncertain significance for Hereditary breast ovarian cancer syndrome. Last evaluated: 2024-12-08. Review status: criteria provided, single submitter. Criteria: Invitae Variant Classification Sherloc (09022015). Collection method: clinical testing. Allele origin: germline.
Comment: This sequence change replaces threonine, which is neutral and polar, with proline, which is neutral and non-polar, at codon 441 of the BRCA2 protein (p.Thr441Pro). This variant is not present in population databases (gnomAD no frequency). This variant has not been reported in the literature in individuals affected with BRCA2-related conditions. Invitae Evidence Modeling of protein sequence and biophysical properties (such as structural, functional, and spatial information, amino acid conservation, physicochemical variation, residue mobility, and thermodynamic stability) indicates that this missense variant is not expected to disrupt BRCA2 protein function with a negative predictive value of 95%. In summary, the available evidence is currently insufficient to determine the role of this variant in disease. Therefore, it has been classified as a Variant of Uncertain Significance.

NM_000059.4(BRCA2):c.1321A>C (p.Thr441Pro)

Gene: BRCA2 (BRCA2 DNA repair associated; plus strand). Cytogenetic location: 13q13.1.
Variant type: single nucleotide variant.
Coding change: c.1321A>C on transcript NM_000059.4 (MANE Select); coding-DNA position 1321, A replaced by C.
Protein change: p.Thr441Pro; replaces threonine 441 with proline.
Molecular consequence: missense variant. On other transcripts: non-coding transcript variant (1), intron variant (1).
Genome position (GRCh38, 1-based): chr13:32,332,799, A>C. VCF-style: chr13-32332799-A-C. GRCh37 (hg19) VCF-style: chr13-32906936-A-C.
Other names: c.1321A>C, p.Thr441Pro (NM_001406719.1, NM_001406720.1, NM_001406721.1 and 1 more transcripts); c.424+1769A>C (NM_001406722.1); short protein forms T441P.
Identifiers: ClinVar variation 3636418 (VCV003636418.2).